The following is an entry in ClinVar:

ClinVar aggregate classification (germline): Likely benign (1 of 4 stars; one submission).

gnomAD v4.1: 2 of 1,594,658 alleles (0.00013%); highest among the groups gnomAD compares: Admixed American, 0.0017%; no homozygotes.

Submission:

Center for Genomic Medicine, Rigshospitalet, Copenhagen University Hospital
Classification: Likely benign. Last evaluated: 2025-12-29. Review status: criteria provided, single submitter. Criteria: ACMG Guidelines, 2015. Collection method: clinical testing. Allele origin: germline.
Comment: Classification criteria: BP7, BP4

NM_000051.4(ATM):c.2124+33A>G

Gene: ATM (ATM serine/threonine kinase; plus strand). Cytogenetic location: 11q22.3.
Variant type: single nucleotide variant.
Coding change: c.2124+33A>G on transcript NM_000051.4 (MANE Select); 33 bases into the intron after coding-DNA position 2124, A replaced by G.
Molecular consequence: intron variant.
Genome position (GRCh38, 1-based): chr11:108,254,072, A>G. VCF-style: chr11-108254072-A-G. GRCh37 (hg19) VCF-style: chr11-108124799-A-G.
Other names: c.2124+33A>G (NM_001351834.2).
Identifiers: ClinVar variation 4539291 (VCV004539291.1).